The following is an entry in ClinVar:

NM_007214.5(SEC63):c.1936-9del

Gene: SEC63 (SEC63 protein translocation regulator; minus strand). Cytogenetic location: 6q21.
Variant type: Deletion.
Coding change: c.1936-9del on transcript NM_007214.5 (MANE Select); 9 bases into the intron before coding-DNA position 1936, one base deleted (T; older notation c.1936-9delT).
Molecular consequence: intron variant.
Genome position (GRCh38, 1-based): chr6:107,876,671, A deleted on the plus strand (T on the coding strand, the reverse complement: SEC63 is on the minus strand); the first of 19 consecutive A bases (chr6:107,876,671-107,876,689); deleting any one gives the same sequence. VCF-style (leftmost placement, unchanged base first): chr6-107876670-CA-C. GRCh37 (hg19) VCF-style: chr6-108197874-CA-C.
Other names: p.?.
Identifiers: ClinVar variation 3390952 (VCV003390952.3).

ClinVar aggregate classification (germline): Benign/Likely benign. Review status: criteria provided, multiple submitters, no conflicts (2 of 4 stars). 3 submissions from 2 submitters: Benign (2); Likely benign (1). Last evaluated 2025-09-14.

Conditions:
Glanzmann thrombasthenia 2. Also called: BLEEDING DISORDER, PLATELET-TYPE, 23. Identifiers: MedGen C5543273, MONDO:0031009, OMIM 619267.
Polycystic liver disease 2 (PCLD2). Also called: Polycystic liver disease 2 with or without kidney cysts. Identifiers: Orphanet 2924, MedGen C4310769, MONDO:0014860, OMIM 617004.

Submissions (3):

Mayo Clinic Laboratories, Mayo Clinic
Classification: Likely benign. Last evaluated: 2025-09-14. Review status: criteria provided, single submitter. Criteria: ACMG Guidelines, 2015. Collection method: clinical testing. Allele origin: germline. Observed: 9 variant alleles.
Comment: BP4, BP7

Genomic Medicine Center of Excellence, King Faisal Specialist Hospital and Research Centre
Classification: Benign for Polycystic liver disease 2. Last evaluated: 2025-09-10. Review status: criteria provided, single submitter. Criteria: ACMG Guidelines, 2015. Collection method: clinical testing. Allele origin: germline.

Genomic Medicine Center of Excellence, King Faisal Specialist Hospital and Research Centre
Classification: Benign for Glanzmann thrombasthenia 2. Last evaluated: 2024-12-17. Review status: criteria provided, single submitter. Criteria: ACMG Guidelines, 2015. Collection method: clinical testing. Allele origin: germline.